The following is an entry in ClinVar:

ClinVar aggregate classification (germline): Pathogenic (1 of 4 stars; one submission).

Conditions:
Neurofibromatosis, type 1 (NF1). Also called: VON RECKLINGHAUSEN DISEASE; Peripheral type neurofibromatosis; NEUROFIBROMATOSIS, TYPE I, SOMATIC; Neurofibromatosis, type I. Identifiers: Orphanet 636, MedGen C0027831, MONDO:0018975, OMIM 162200. Disease mechanism: loss of function.

Submission:

Labcorp Genetics (formerly Invitae), Labcorp
Classification: Pathogenic for Neurofibromatosis, type 1. Last evaluated: 2020-02-12. Review status: criteria provided, single submitter. Criteria: Invitae Variant Classification Sherloc (09022015). Collection method: clinical testing. Allele origin: germline.
Comment: For these reasons, this variant has been classified as Pathogenic. Loss-of-function variants in NF1 are known to be pathogenic (PMID: 10712197, 23913538). This variant has been observed in individual(s) with clinical features of neurofibromatosis type 1 (Invitae). This variant is an out-of-frame deletion of the genomic region encompassing exon(s) 4-35 of the NF1 gene. This is expected to create a premature translational stop signal and result in an absent or disrupted protein product.

Literature cited by the submitters: PubMed 10712197; PubMed 23913538.

NC_000017.10:g.(?_29490184)_(29592377_?)del

Gene: NF1 (neurofibromin 1; plus strand). Cytogenetic location: 17q11.2.
Variant type: Deletion.
Identifiers: ClinVar variation 1074105 (VCV001074105.3).